The following is an entry in ClinVar:

ClinVar aggregate classification (germline): Conflicting classifications of pathogenicity. Review status: criteria provided, conflicting classifications (1 of 4 stars). 3 submissions from 3 submitters: Uncertain significance (2); Likely benign (1). Last evaluated 2025-08-06.

Conditions:
Cardiovascular phenotype. Identifiers: MedGen CN230736.
Noonan syndrome 8 (NS8). Identifiers: Orphanet 648, MedGen C3809233, MONDO:0014143, OMIM 615355.

Allele frequency attached by ClinVar (database versions not stated): gnomAD 0.00001; gnomAD exomes 0.00002 and 0.00004; TOPMed 0.00003; ExAC 0.00004.
gnomAD v4.1: 32 of 1,614,024 alleles (0.002%); highest among the groups gnomAD compares: East Asian, 0.013%; no homozygotes.

Submissions (3):

Labcorp Genetics (formerly Invitae), Labcorp
Classification: Uncertain significance for Noonan syndrome 8. Last evaluated: 2025-08-06. Review status: criteria provided, single submitter. Criteria: Invitae Variant Classification Sherloc (09022015). Collection method: clinical testing. Allele origin: germline.
Comment: This sequence change replaces arginine, which is basic and polar, with glutamine, which is neutral and polar, at codon 154 of the RIT1 protein (p.Arg154Gln). This variant is present in population databases (rs754596127, gnomAD 0.02%). This variant has not been reported in the literature in individuals affected with RIT1-related conditions. ClinVar contains an entry for this variant (Variation ID: 653052). Invitae Evidence Modeling incorporating data from in vitro experimental studies (internal data) indicates that this missense variant is not expected to disrupt RIT1 function with a negative predictive value of 95%. In summary, the available evidence is currently insufficient to determine the role of this variant in disease. Therefore, it has been classified as a Variant of Uncertain Significance.

Ambry Genetics
Classification: Uncertain significance for Cardiovascular phenotype. Last evaluated: 2024-01-08. Review status: criteria provided, single submitter. Criteria: Ambry Variant Classification Scheme 2023. Collection method: clinical testing. Allele origin: germline.
Comment: The p.R154Q variant (also known as c.461G>A), located in coding exon 5 of the RIT1 gene, results from a G to A substitution at nucleotide position 461. The arginine at codon 154 is replaced by glutamine, an amino acid with highly similar properties. This amino acid position is well conserved in available vertebrate species. In addition, this alteration is predicted to be tolerated by in silico analysis. Since supporting evidence is limited at this time, the clinical significance of this alteration remains unclear.

GeneDx
Classification: Likely benign. Last evaluated: 2020-10-08. Review status: criteria provided, single submitter. Criteria: GeneDx Variant Classification Process June 2021. Collection method: clinical testing. Allele origin: germline. Affected: yes.
Comment: Has not been previously published as pathogenic or benign to our knowledge; Reported in ClinVar as a variant of uncertain significance (ClinVar Variant ID# 653052; Landrum et al., 2016)

NM_006912.6(RIT1):c.461G>A (p.Arg154Gln)

Gene: RIT1 (Ras like without CAAX 1; minus strand). Cytogenetic location: 1q22.
Variant type: single nucleotide variant.
Coding change: c.461G>A on transcript NM_006912.6 (MANE Select); coding-DNA position 461, G replaced by A.
Protein change: p.Arg154Gln; replaces arginine 154 with glutamine.
Molecular consequence: missense variant.
Genome position (GRCh38, 1-based): chr1:155,900,587, C>T on the plus strand (G>A on the coding strand, the complement: RIT1 is on the minus strand). VCF-style: chr1-155900587-C-T. GRCh37 (hg19) VCF-style: chr1-155870378-C-T.
Other names: c.461G>A, p.Arg154Gln (LRG_1372t1); c.353G>A, p.Arg118Gln (NM_001256820.2); c.512G>A, p.Arg171Gln (NM_001256821.2); short protein forms R154Q, R118Q, R171Q.
Identifiers: ClinVar variation 653052 (VCV000653052.12), dbSNP rs754596127, ClinGen allele CA1151783.
Genomic context (GRCh38, chr1:155,900,587, plus strand): 5'-ACATCATCAATATAGTAGCGGTATGCAGCAGATGTCTCAAAAAAGGGACAGCTGAATTCT[C>T]GGGCCAAGGCCAATCCTTCTTCCTTGGTGACCTTTAAGGGCAAAATGTGAGAAAAGATAA-3'
Protein context (NP_008843.1, residues 144-164): VTKEEGLALA[Arg154Gln]EFSCPFFETS